The following is an entry in ClinVar:

NM_001849.4(COL6A2):c.1817-2A>C

Gene: COL6A2 (collagen type VI alpha 2 chain; plus strand). Cytogenetic location: 21q22.3.
Variant type: single nucleotide variant.
Coding change: c.1817-2A>C on transcript NM_001849.4 (MANE Select); the canonical splice acceptor site of the intron before coding-DNA position 1817, A replaced by C.
Molecular consequence: splice acceptor variant.
Genome position (GRCh38, 1-based): chr21:46,125,463, A>C. VCF-style: chr21-46125463-A-C. GRCh37 (hg19) VCF-style: chr21-47545377-A-C.
Other names: c.1817-2A>C (NM_058175.3, NM_058174.3).
Identifiers: ClinVar variation 2444282 (VCV002444282.3), dbSNP rs111697581, ClinGen allele CA321972269.

ClinVar aggregate classification (germline): Pathogenic/Likely pathogenic. Review status: criteria provided, multiple submitters, no conflicts (2 of 4 stars). 3 submissions from 3 submitters: Pathogenic (1); Likely pathogenic (2). Last evaluated 2023-11-09.

Conditions:
Bethlem myopathy 1A. Also called: MYOPATHY, BENIGN CONGENITAL, WITH CONTRACTURES; Bethlem myopathy 1; Bethlem Muscular Dystrophy. Identifiers: Orphanet 610, MedGen CN029274, MONDO:0024530, OMIM 158810.

Allele frequency attached by ClinVar (database versions not stated): gnomAD exomes below 0.00001.
gnomAD v4.1: 1 of 1,574,254 alleles (0.000064%); highest among the groups gnomAD compares: Non-Finnish European, 0.000087%; no homozygotes.

Submissions (3):

GeneDx
Classification: Likely pathogenic. Last evaluated: 2023-11-09. Review status: criteria provided, single submitter. Criteria: GeneDx Variant Classification Process June 2021. Collection method: clinical testing. Allele origin: germline. Affected: yes.
Comment: Canonical splice site variant predicted to result in an in-frame loss of the adjacent exon in a gene for which loss of function is a known mechanism of disease; Not observed at significant frequency in large population cohorts (gnomAD); Deletions involving coding exons of this gene are a known mechanism of disease (HGMD); Has not been previously published as pathogenic or benign to our knowledge

Neuberg Centre For Genomic Medicine, NCGM
Classification: Likely pathogenic for Bethlem myopathy 1A. Last evaluated: 2023-05-20. Review status: criteria provided, single submitter. Criteria: ACMG Guidelines, 2015. Collection method: clinical testing. Allele origin: germline. Inheritance: Autosomal recessive inheritance. Affected: yes.
Comment: The observed splice acceptor c.1817-2A>C variant in COL6A2 gene has not been reported previously as a pathogenic variant nor as a benign variant, to our knowledge. This variant is absent in gnomAD Exomes. This variant has been reported to the ClinVar database as Pathogenic. The variant affects AG acceptor splice site in the 3' end of intron 24. This variant is predicted to cause loss of normal protein function through protein truncation. Loss of function variants have been previously reported to be disease causing. The spliceAI tool predicts that this splice site variant is damaging. For these reasons, this variant has been classified as Likely Pathogenic.

3billion
Classification: Pathogenic for Bethlem myopathy 1A. Last evaluated: 2023-02-23. Review status: criteria provided, single submitter. Criteria: ACMG Guidelines, 2015. Collection method: clinical testing. Allele origin: unknown. Affected: yes.
Comment: The variant is not observed in the gnomAD v2.1.1 dataset. This variant was predicted to alter splicing and result in a loss or disruption of normal protein function. Multiple pathogenic loss-of-function variants are reported downstream of the variant. Therefore, this variant is classified as Pathogenic according to the recommendation of ACMG/AMP guideline.